The following is an entry in ClinVar:

ClinVar aggregate classification (germline): Uncertain significance. Review status: reviewed by expert panel (3 of 4 stars). 2 submissions from 2 submitters: Uncertain significance (1). 1 of the submissions does not count toward it. Last evaluated 2024-07-29.

Conditions:
T-cell immunodeficiency, congenital alopecia, and nail dystrophy. Also called: Congenital alopecia and nail dystrophy associated with severe functional T-cell immunodeficiency; Pignata Guarino syndrome. Identifiers: Orphanet 169095, MedGen C1866426, MONDO:0011132, OMIM 601705.

Submissions (2):

ClinGen Severe Combined Immunodeficiency Variant Curation Expert Panel, ClinGen
Classification: Uncertain significance for T-cell immunodeficiency, congenital alopecia, and nail dystrophy. Last evaluated: 2024-07-29. Review status: reviewed by expert panel. Criteria: ClinGen SCID ACMG Specifications FOXN1 V1.0.0. Collection method: curation. Allele origin: germline. Inheritance: Semidominant inheritance.
Comment: The NM_001369369.1(FOXN1):c.928-2A>G variant disrupts the acceptor site of intron 6 and is predicted to cause skipping of exon 7 (11% of the protein) with a frameshift creating a premature stop codon in the final exon (exon 9), which is predicted to escape NMD and truncate the last 16% of the protein. This removes the majority of the forkhead domain in exon 7 and the majority of the transactivation domain in exon 9, both of these domains are critical to protein function (PVS1_Strong). After a comprehensive literature search, the variant has not been identified in any individuals with T-cell immunodeficiency, congenital alopecia, and nail dystrophy. In summary, this variant meets criteria to be classified as uncertain significance for semidominant T-cell immunodeficiency, congenital alopecia, and nail dystrophy based on the ACMG/AMP criteria applied, as specified by the ClinGen SCID VCEP: PVS1_strong, PM2_supporting (specifications v1.0).

Labcorp Genetics (formerly Invitae), Labcorp
Classification: Likely pathogenic for T-cell immunodeficiency, congenital alopecia, and nail dystrophy. Last evaluated: 2021-03-20. Review status: criteria provided, single submitter. Criteria: Invitae Variant Classification Sherloc (09022015). Collection method: clinical testing. Allele origin: germline. Not counted in ClinVar's aggregate classification.
Comment: This sequence change affects an acceptor splice site in intron 5 of the FOXN1 gene. It is expected to disrupt RNA splicing. Variants that disrupt the donor or acceptor splice site typically lead to a loss of protein function (PMID: 16199547), and loss-of-function variants in FOXN1 are known to be pathogenic (PMID: 10206641, 15180707, 31447097). This variant is not present in population databases (ExAC no frequency). This variant has not been reported in the literature in individuals with FOXN1-related conditions. Algorithms developed to predict the effect of sequence changes on RNA splicing suggest that this variant may disrupt the consensus splice site, but this prediction has not been confirmed by published transcriptional studies. In summary, the currently available evidence indicates that the variant is pathogenic, but additional data are needed to prove that conclusively. Therefore, this variant has been classified as Likely Pathogenic.

Literature cited by the submitters: PubMed 16199547 (cited by Labcorp Genetics (formerly Invitae), Labcorp); PubMed 10206641 (cited by Labcorp Genetics (formerly Invitae), Labcorp); PubMed 15180707 (cited by Labcorp Genetics (formerly Invitae), Labcorp); PubMed 31447097 (cited by Labcorp Genetics (formerly Invitae), Labcorp).

NM_001369369.1(FOXN1):c.928-2A>G

Gene: FOXN1 (forkhead box N1; plus strand). Cytogenetic location: 17q11.2.
Variant type: single nucleotide variant.
Coding change: c.928-2A>G on transcript NM_001369369.1 (MANE Select); the canonical splice acceptor site of the intron before coding-DNA position 928, A replaced by G.
Molecular consequence: splice acceptor variant.
Genome position (GRCh38, 1-based): chr17:28,534,329, A>G. VCF-style: chr17-28534329-A-G. GRCh37 (hg19) VCF-style: chr17-26861347-A-G.
Other names: c.928-2A>G (NM_003593.3).
Identifiers: ClinVar variation 1517590 (VCV001517590.9), dbSNP rs2151497815, ClinGen allele CA398324410.